The following is an entry in ClinVar:

NM_002485.5(NBN):c.241G>C (p.Glu81Gln)

Gene: NBN (nibrin; minus strand). Cytogenetic location: 8q21.3.
Variant type: single nucleotide variant.
Coding change: c.241G>C on transcript NM_002485.5 (MANE Select); coding-DNA position 241, G replaced by C.
Protein change: p.Glu81Gln; replaces glutamic acid 81 with glutamine.
Molecular consequence: missense variant. On other transcripts: 5 prime UTR variant (1).
Genome position (GRCh38, 1-based): chr8:89,981,454, C>G on the plus strand (G>C on the coding strand, the complement: NBN is on the minus strand). VCF-style: chr8-89981454-C-G. GRCh37 (hg19) VCF-style: chr8-90993682-C-G.
Other names: c.-6G>C (NM_001024688.3); short protein forms E81Q.
Identifiers: ClinVar variation 630037 (VCV000630037.12), dbSNP rs1064795037, ClinGen allele CA371662499.

ClinVar aggregate classification (germline): Uncertain significance. Review status: criteria provided, multiple submitters, no conflicts (2 of 4 stars). 3 submissions from 3 submitters: Uncertain significance (3). Last evaluated 2021-11-07.

Conditions:
Microcephaly, normal intelligence and immunodeficiency (NBS). Also called: BERLIN BREAKAGE SYNDROME; Ataxia telangiectasia variant V1; IMMUNODEFICIENCY, MICROCEPHALY, AND CHROMOSOMAL INSTABILITY; SEEMANOVA SYNDROME II; Immunodeficiency, microcephaly with normal intelligence; Nijmegen breakage syndrome. Identifiers: Orphanet 647, MedGen C0398791, MONDO:0009623, OMIM 251260.
Hereditary cancer-predisposing syndrome. Also called: Tumor predisposition; Neoplastic Syndromes, Hereditary; Hereditary Cancer Syndrome; Hereditary neoplastic syndrome. Identifiers: Orphanet 140162, MedGen C0027672, MeSH D009386, MONDO:0015356.

Allele frequency attached by ClinVar (database versions not stated): gnomAD exomes 0.00001.
gnomAD v4.1: 5 of 1,614,012 alleles (0.00031%); highest among the groups gnomAD compares: Non-Finnish European, 0.00042%; no homozygotes.

Submissions (3):

Genome-Nilou Lab
Classification: Uncertain significance for Microcephaly, normal intelligence and immunodeficiency. Last evaluated: 2021-11-07. Review status: criteria provided, single submitter. Criteria: ACMG Guidelines, 2015. Collection method: clinical testing. Allele origin: germline. Affected: no.

Labcorp Genetics (formerly Invitae), Labcorp
Classification: Uncertain significance for Microcephaly, normal intelligence and immunodeficiency. Last evaluated: 2021-10-12. Review status: criteria provided, single submitter. Criteria: Invitae Variant Classification Sherloc (09022015). Collection method: clinical testing. Allele origin: germline.
Comment: This sequence change replaces glutamic acid with glutamine at codon 81 of the NBN protein (p.Glu81Gln). The glutamic acid residue is moderately conserved and there is a small physicochemical difference between glutamic acid and glutamine. This variant is not present in population databases (ExAC no frequency). This variant has not been reported in the literature in individuals affected with NBN-related conditions. ClinVar contains an entry for this variant (Variation ID: 630037). Algorithms developed to predict the effect of missense changes on protein structure and function are either unavailable or do not agree on the potential impact of this missense change (SIFT: "Tolerated"; PolyPhen-2: "Possibly Damaging"; Align-GVGD: "Class C0"). In summary, the available evidence is currently insufficient to determine the role of this variant in disease. Therefore, it has been classified as a Variant of Uncertain Significance.

Ambry Genetics
Classification: Uncertain significance for Hereditary cancer-predisposing syndrome. Last evaluated: 2021-04-08. Review status: criteria provided, single submitter. Criteria: Ambry Variant Classification Scheme 2023. Collection method: clinical testing. Allele origin: germline.
Comment: The p.E81Q variant (also known as c.241G>C), located in coding exon 3 of the NBN gene, results from a G to C substitution at nucleotide position 241. The glutamic acid at codon 81 is replaced by glutamine, an amino acid with highly similar properties. This amino acid position is well conserved in available vertebrate species. In addition, this alteration is predicted to be tolerated by in silico analysis. Since supporting evidence is limited at this time, the clinical significance of this alteration remains unclear.